The following is an entry in ClinVar:

ClinVar aggregate classification (germline): Uncertain significance. Review status: criteria provided, multiple submitters, no conflicts (2 of 4 stars). 2 submissions from 2 submitters: Uncertain significance (2). Last evaluated 2021-01-09.

Conditions:
Cleft lip/palate-ectodermal dysplasia syndrome (CLPED1). Also called: Zlotogora syndrome; ECTODERMAL DYSPLASIA, CLEFT LIP AND PALATE, MENTAL RETARDATION, AND SYNDACTYLY; ECTODERMAL DYSPLASIA, MARGARITA ISLAND TYPE; ECTODERMAL DYSPLASIA, TYPE 4; ZLOTOGORA-OGUR SYNDROME. Identifiers: Orphanet 3253, MedGen C2931488, MONDO:0009151, OMIM 225060.

Allele frequency attached by ClinVar (database versions not stated): TOPMed 0.00002; ExAC 0.00003.

Submissions (2):

Labcorp Genetics (formerly Invitae), Labcorp
Classification: Uncertain significance. Last evaluated: 2021-01-09. Review status: criteria provided, single submitter. Criteria: Invitae Variant Classification Sherloc (09022015). Collection method: clinical testing. Allele origin: germline.
Comment: In summary, the available evidence is currently insufficient to determine the role of this variant in disease. Therefore, it has been classified as a Variant of Uncertain Significance. Algorithms developed to predict the effect of missense changes on protein structure and function are either unavailable or do not agree on the potential impact of this missense change (SIFT: "Deleterious"; PolyPhen-2: "Possibly Damaging"; Align-GVGD: "Class C15"). This variant has not been reported in the literature in individuals with NECTIN1-related conditions. This variant is present in population databases (rs754922587, ExAC 0.01%). This sequence change replaces arginine with cysteine at codon 110 of the NECTIN1 protein (p.Arg110Cys). The arginine residue is moderately conserved and there is a large physicochemical difference between arginine and cysteine.

Baylor Genetics
Classification: Uncertain significance for Cleft lip/palate-ectodermal dysplasia syndrome. Last evaluated: 2020-01-27. Review status: criteria provided, single submitter. Criteria: ACMG Guidelines, 2015. Collection method: clinical testing. Allele origin: unknown. Affected: yes.
Comment: This variant was determined to be of uncertain significance according to ACMG Guidelines, 2015 [PMID:25741868].

NM_002855.5(NECTIN1):c.328C>T (p.Arg110Cys)

Gene: NECTIN1 (nectin cell adhesion molecule 1; minus strand). Cytogenetic location: 11q23.3.
Variant type: single nucleotide variant.
Coding change: c.328C>T on transcript NM_002855.5 (MANE Select); coding-DNA position 328, C replaced by T.
Protein change: p.Arg110Cys; replaces arginine 110 with cysteine.
Molecular consequence: missense variant.
Genome position (GRCh38, 1-based): chr11:119,678,517, G>A on the plus strand (C>T on the coding strand, the complement: NECTIN1 is on the minus strand). VCF-style: chr11-119678517-G-A. GRCh37 (hg19) VCF-style: chr11-119549227-G-A.
Other names: c.328C>T, p.Arg110Cys (NM_203285.2, NM_203286.2); short protein forms R110C.
Identifiers: ClinVar variation 1029485 (VCV001029485.7), dbSNP rs754922587, ClinGen allele CA6322123.
Genomic context (GRCh38, chr11:119,678,517, plus strand): 5'-GGAAGGTAGCAAACTCGCAGATGTAGACACCCTCATCCTCCAGCTCCAGGCGGGAGAGGC[G>A]GATAGTGCCATCGGTGAAGGAGGGCCGCAGGAATTCCACACGCTCGCGGTAGGGAGCCAG-3'
Protein context (NP_002846.3, residues 100-120): LRPSFTDGTI[Arg110Cys]LSRLELEDEG